The following is an entry in ClinVar:

ClinVar aggregate classification (germline): Uncertain significance (1 of 4 stars; one submission).

gnomAD v4.1: 8 of 1,609,164 alleles (0.0005%); highest among the groups gnomAD compares: Non-Finnish European, 0.00059%; no homozygotes.

Submission:

GeneDx
Classification: Uncertain significance. Last evaluated: 2025-02-04. Review status: criteria provided, single submitter. Criteria: GeneDx Variant Classification Process June 2021. Collection method: clinical testing. Allele origin: germline. Affected: yes.
Comment: Not observed at significant frequency in large population cohorts (gnomAD); In silico analysis supports that this missense variant has a deleterious effect on protein structure/function; Has not been previously published as pathogenic or benign to our knowledge

NM_000540.3(RYR1):c.7638G>A (p.Met2546Ile)

Gene: RYR1 (ryanodine receptor 1; plus strand). Cytogenetic location: 19q13.2.
Variant type: single nucleotide variant.
Coding change: c.7638G>A on transcript NM_000540.3 (MANE Select); coding-DNA position 7638, G replaced by A.
Protein change: p.Met2546Ile; replaces methionine 2546 with isoleucine.
Molecular consequence: missense variant.
Genome position (GRCh38, 1-based): chr19:38,502,530, G>A. VCF-style: chr19-38502530-G-A. GRCh37 (hg19) VCF-style: chr19-38993170-G-A.
Other names: c.7638G>A, p.Met2546Ile (NM_001042723.2); short protein forms M2546I.
Identifiers: ClinVar variation 4075535 (VCV004075535.1).